The following is an entry in ClinVar:

ClinVar aggregate classification (germline): Pathogenic (1 of 4 stars; one submission).

Submission:

ISCA site 17
Classification: Pathogenic. Last evaluated: 2011-08-12. Review status: criteria provided, single submitter. Criteria: Kaminsky et al. (Genet Med. 2011). Collection method: clinical testing. Allele origin: unknown. Affected: yes. Observed: 1 variant allele.
Comment: Copy number variation identified through the course of routine clinical cytogenomic testing in postnatal populations. Clinical assertions have been curated as described in Kaminsky et al. 2011.

GRCh38/hg38 9q33.2-33.3(chr9:120938041-123469664)x1

Genes: C5 (complement C5; minus strand), C5-OT1 (C5 3' UTR overlapping transcript 1; minus strand), CNTRL (centriolin; plus strand), CRB2 (crumbs cell polarity complex component 2; plus strand), DAB2IP (DAB2 interacting protein; plus strand) and 98 more. Cytogenetic location: 9q33.2-33.3.
Variant type: copy number loss.
Change: copy number 1 (one copy instead of two) of chr9:120,938,041-123,469,664 (2.53 Mb, GRCh38 coordinates, 1-based), cytogenetic band 9q33.2-33.3.
Identifiers: ClinVar variation 59124 (VCV000059124.1).